The following is an entry in ClinVar:

ClinVar aggregate classification (germline): Uncertain significance (1 of 4 stars; one submission).

Conditions:
Cardiac arrhythmia. Also called: Cardiac rhythm disease; Arrhythmia. Identifiers: MedGen C0003811, MONDO:0007263, HP:0011675.

Allele frequency attached by ClinVar (database versions not stated): ExAC 0.00001; TOPMed 0.00001.
gnomAD v4.1: 12 of 1,614,114 alleles (0.00074%); highest among the groups gnomAD compares: Middle Eastern, 0.049%; no homozygotes.

Submission:

Labcorp Genetics (formerly Invitae), Labcorp
Classification: Uncertain significance for Cardiac arrhythmia. Last evaluated: 2022-07-25. Review status: criteria provided, single submitter. Criteria: Invitae Variant Classification Sherloc (09022015). Collection method: clinical testing. Allele origin: germline.
Comment: In summary, the available evidence is currently insufficient to determine the role of this variant in disease. Therefore, it has been classified as a Variant of Uncertain Significance. Algorithms developed to predict the effect of missense changes on protein structure and function (SIFT, PolyPhen-2, Align-GVGD) all suggest that this variant is likely to be tolerated. ClinVar contains an entry for this variant (Variation ID: 1404532). This variant has not been reported in the literature in individuals affected with RANGRF-related conditions. This variant is present in population databases (no rsID available, gnomAD 0.0009%). This sequence change replaces threonine, which is neutral and polar, with arginine, which is basic and polar, at codon 4 of the RANGRF protein (p.Thr4Arg).

NM_016492.5(RANGRF):c.11C>G (p.Thr4Arg)

Genes: RANGRF (RAN guanine nucleotide release factor; plus strand), SLC25A35 (solute carrier family 25 member 35; minus strand). Cytogenetic location: 17p13.1.
Variant type: single nucleotide variant.
Coding change: c.11C>G on transcript NM_016492.5 (MANE Select); coding-DNA position 11, C replaced by G.
Protein change: p.Thr4Arg; replaces threonine 4 with arginine.
Molecular consequence: missense variant. On other transcripts: 3 prime UTR variant (1), non-coding transcript variant (1), intron variant (1).
Genome position (GRCh38, 1-based): chr17:8,288,799, C>G. VCF-style: chr17-8288799-C-G. GRCh37 (hg19) VCF-style: chr17-8192117-C-G.
Other names: c.11C>G, p.Thr4Arg (NM_001177801.2, NM_001177802.2, NM_001330127.2); c.*817G>C (NM_201520.3); c.*43-367G>C (NM_001320871.2); short protein forms T4R.
Identifiers: ClinVar variation 1404532 (VCV001404532.8), dbSNP rs1236530787, ClinGen allele CA8374279.